The following is an entry in ClinVar:

NM_032638.5(GATA2):c.1142del (p.Asn381fs)

Gene: GATA2 (GATA binding protein 2; minus strand). Cytogenetic location: 3q21.3.
Variant type: Deletion.
Coding change: c.1142del on transcript NM_032638.5 (MANE Select); coding-DNA position 1142, one base deleted (A; older notation c.1142delA).
Protein change: p.Asn381fs; shifts the reading frame from asparagine 381.
Molecular consequence: frameshift variant.
Genome position (GRCh38, 1-based): chr3:128,481,820, T deleted on the plus strand (A on the coding strand, the reverse complement: GATA2 is on the minus strand); the first of 2 consecutive T bases (chr3:128,481,820-128,481,821); deleting either gives the same sequence. VCF-style (leftmost placement, unchanged base first): chr3-128481819-AT-A. GRCh37 (hg19) VCF-style: chr3-128200662-AT-A.
Other names: c.1142del, p.Asn381fs (NM_001145661.2); c.1100del, p.Asn367fs (NM_001145662.1); short protein forms N367fs, N381fs.
Identifiers: ClinVar variation 1184196 (VCV001184196.1), dbSNP rs2107668566, ClinGen allele CA2499216428.
Genomic context (GRCh38, chr3:128,481,819, plus strand): 5'-CAGCACAAAGCGCAGAGGTCCCCTGGGAGGGGCGGGGTGGCCGGGGCGGGGCGCACTCAC[AT>A]TGTGCAGCTTGTAGTAGAGGCCACAGGCGTTGCAGACAGGGTCCCCGTTGGCGTTTCGGC-3'

ClinVar aggregate classification (germline): Pathogenic (1 of 4 stars; one submission).

Conditions:
Deafness-lymphedema-leukemia syndrome. Also called: Emberger syndrome; Lymphedema, primary, with myelodysplasia. Identifiers: Orphanet 3226, MedGen C3279664, MONDO:0013540, OMIM 614038.
GATA2 deficiency with susceptibility to MDS/AML. Identifiers: MedGen CN300066, MONDO:0042982.

Submission:

Molecular Pathology Research Laboratory, SA Pathology
Classification: Pathogenic for GATA2 deficiency with susceptibility to MDS/AML; Deafness-lymphedema-leukemia syndrome. Last evaluated: 2021-07-06. Review status: criteria provided, single submitter. Criteria: ACMG Guidelines, 2015. Collection method: curation. Allele origin: unknown. Inheritance: Autosomal dominant inheritance. Affected: yes. Observed: 1 variant allele.
Comment: PVS1, PS4_Supporting, PM2

Literature cited by the submitters: PubMed 29724903.